The following is an entry in ClinVar:

NM_004364.5(CEBPA):c.1071C>G (p.Cys357Trp)

Gene: CEBPA (CCAAT enhancer binding protein alpha; minus strand). Cytogenetic location: 19q13.11.
Variant type: single nucleotide variant.
Coding change: c.1071C>G on transcript NM_004364.5 (MANE Select); coding-DNA position 1071, C replaced by G.
Protein change: p.Cys357Trp; replaces cysteine 357 with tryptophan.
Molecular consequence: missense variant.
Genome position (GRCh38, 1-based): chr19:33,301,344, G>C on the plus strand (C>G on the coding strand, the complement: CEBPA is on the minus strand). VCF-style: chr19-33301344-G-C. GRCh37 (hg19) VCF-style: chr19-33792250-G-C.
Other names: c.714C>G, p.Cys238Trp (NM_001285829.2); c.1176C>G, p.Cys392Trp (NM_001287424.2); c.1029C>G, p.Cys343Trp (NM_001287435.2); c.1071C>G (NM_004364.3); short protein forms C357W, C392W, C343W, C238W.
Identifiers: ClinVar variation 947159 (VCV000947159.11), dbSNP rs1162154287, ClinGen allele CA405273599.

ClinVar aggregate classification (germline): Uncertain significance. Review status: criteria provided, multiple submitters, no conflicts (2 of 4 stars). 2 submissions from 2 submitters: Uncertain significance (2). Last evaluated 2025-01-02.

Conditions:
Inborn genetic diseases. Identifiers: MedGen C0950123, MeSH D030342.
Acute myeloid leukemia (AML). Also called: Acute myeloid leukemia, adult; AML adult; Acute non-lymphocytic leukemia; Acute granulocytic leukemia; Leukemia, acute myelogenous, somatic; Leukemia, acute myeloid, somatic. Identifiers: Orphanet 519, MedGen C0023467, MeSH D015470, MONDO:0018874, OMIM 601626, HP:0004808. Disease mechanism: Constitutively activated FLT3.

gnomAD v4.1: 2 of 1,596,212 alleles (0.00013%); highest among the groups gnomAD compares: Non-Finnish European, 0.00017%; no homozygotes.

Submissions (2):

Ambry Genetics
Classification: Uncertain significance for Inborn genetic diseases. Last evaluated: 2025-01-02. Review status: criteria provided, single submitter. Criteria: Ambry Variant Classification Scheme 2023. Collection method: clinical testing. Allele origin: germline.
Comment: The p.C357W variant (also known as c.1071C>G), located in coding exon 1 of the CEBPA gene, results from a C to G substitution at nucleotide position 1071. The cysteine at codon 357 is replaced by tryptophan, an amino acid with highly dissimilar properties. This amino acid position is conserved. In addition, the in silico prediction for this alteration is inconclusive. Based on the available evidence, the clinical significance of this variant remains unclear.

Labcorp Genetics (formerly Invitae), Labcorp
Classification: Uncertain significance for Acute myeloid leukemia. Last evaluated: 2019-07-11. Review status: criteria provided, single submitter. Criteria: Invitae Variant Classification Sherloc (09022015). Collection method: clinical testing. Allele origin: germline.
Comment: This sequence change replaces cysteine with tryptophan at codon 357 of the CEBPA protein (p.Cys357Trp). The cysteine residue is highly conserved and there is a large physicochemical difference between cysteine and tryptophan. This variant is not present in population databases (ExAC no frequency). This variant has not been reported in the literature in individuals with CEBPA-related conditions. Algorithms developed to predict the effect of missense changes on protein structure and function are either unavailable or do not agree on the potential impact of this missense change (SIFT: "Deleterious"; PolyPhen-2: "Probably Damaging"; Align-GVGD: "Class C15"). In summary, the available evidence is currently insufficient to determine the role of this variant in disease. Therefore, it has been classified as a Variant of Uncertain Significance.